The following is an entry in ClinVar:

NM_003242.6(TGFBR2):c.291_293del (p.Glu98del)

Gene: TGFBR2 (transforming growth factor beta receptor 2; plus strand). Cytogenetic location: 3p24.1.
Variant type: Deletion.
Coding change: c.291_293del on transcript NM_003242.6 (MANE Select); coding-DNA positions 291 to 293, 3 bases deleted (AGA; older notation c.291_293delAGA).
Protein change: p.Glu98del; deletes glutamic acid 98.
Molecular consequence: intron variant (on NM_001407137.1).
Genome position (GRCh38, 1-based): chr3:30,650,297-30,650,299, AGA deleted. VCF-style (leftmost placement, unchanged base first): chr3-30650296-TAGA-T. GRCh37 (hg19) VCF-style: chr3-30691788-TAGA-T.
Other names: c.366_368del, p.Glu123del (NM_001407139.1, NM_001024847.3, NM_001407126.1); c.170-21341_170-21339del (NM_001407137.1); c.95-21341_95-21339del (NM_001407138.1); c.318_320del, p.Glu107del (NM_001407128.1); c.186_188del, p.Glu63del (NM_001407129.1, NM_001407132.1, NM_001407133.1 and 3 more transcripts); c.291_293del, p.Glu98del (NM_001407130.1, NM_001407127.1); short protein forms E107del, E123del, E63del, E98del.
Identifiers: ClinVar variation 3386061 (VCV003386061.1).

ClinVar aggregate classification (germline): Uncertain significance (1 of 4 stars; one submission).

Conditions:
Loeys-Dietz syndrome 2 (LDS2). Also called: TGFBR2-Related Loeys-Dietz Syndrome; AORTIC ANEURYSM, FAMILIAL THORACIC 3; MARFAN SYNDROME, TYPE II; Marfan syndrome, type 2 (formerly); Marfan Syndrome type 2; Marfan like connective tissue disorder. Identifiers: Orphanet 284973, Orphanet 558, MedGen C2674574, MONDO:0012427, OMIM 610168.

Submission:

All of Us Research Program, National Institutes of Health
Classification: Uncertain significance for Loeys-Dietz syndrome 2. Last evaluated: 2024-04-16. Review status: criteria provided, single submitter. Criteria: ACMG Guidelines, 2015. Collection method: clinical testing. Allele origin: germline. Inheritance: Autosomal dominant inheritance. Observed: 1 variant allele, 1 heterozygote.
Comment: This variant is located in the TGFBR2 protein. To our knowledge, functional studies have not been reported for this variant. This variant has not been reported in individuals affected with TGFBR2-related disorders in the literature. This variant has not been identified in the general population by the Genome Aggregation Database (gnomAD). The available evidence is insufficient to determine the role of this variant in disease conclusively. Therefore, this variant is classified as a Variant of Uncertain Significance.

This study involves interpretation of variants in research participants for the purpose of population health screening. Participant phenotype was not available at the time of variant classification. Additional details can be found in publication PMID: 35346344, PMCID: PMC8962531